The following is an entry in ClinVar:

NM_024301.5(FKRP):c.1358C>T (p.Pro453Leu)

Gene: FKRP (fukutin related protein; plus strand). Cytogenetic location: 19q13.32.
Variant type: single nucleotide variant.
Coding change: c.1358C>T on transcript NM_024301.5 (MANE Select); coding-DNA position 1358, C replaced by T.
Protein change: p.Pro453Leu; replaces proline 453 with leucine.
Molecular consequence: missense variant.
Genome position (GRCh38, 1-based): chr19:46,756,808, C>T. VCF-style: chr19-46756808-C-T. GRCh37 (hg19) VCF-style: chr19-47260065-C-T.
Other names: c.1358C>T, p.Pro453Leu (NM_001039885.3); short protein forms P453L.
Identifiers: ClinVar variation 846698 (VCV000846698.7), dbSNP rs1206095834, ClinGen allele CA406497206.

ClinVar aggregate classification (germline): Uncertain significance (1 of 4 stars; one submission).

Conditions:
Walker-Warburg congenital muscular dystrophy. Also called: Muscular dystrophy-dystroglycanopathy, type A; Walker-Warburg syndrome. Identifiers: Orphanet 899, MedGen C0265221, MONDO:0000171.

Allele frequency attached by ClinVar (database versions not stated): gnomAD exomes below 0.00001.
gnomAD v4.1: 1 of 1,600,620 alleles (0.000062%); highest among the groups gnomAD compares: East Asian, 0.0023%; no homozygotes.

Submission:

Labcorp Genetics (formerly Invitae), Labcorp
Classification: Uncertain significance for Walker-Warburg congenital muscular dystrophy. Last evaluated: 2019-12-03. Review status: criteria provided, single submitter. Criteria: Invitae Variant Classification Sherloc (09022015). Collection method: clinical testing. Allele origin: germline.
Comment: This variant has not been reported in the literature in individuals with FKRP-related conditions. In summary, the available evidence is currently insufficient to determine the role of this variant in disease. Therefore, it has been classified as a Variant of Uncertain Significance. Algorithms developed to predict the effect of missense changes on protein structure and function (SIFT, PolyPhen-2, Align-GVGD) all suggest that this variant is likely to be tolerated, but these predictions have not been confirmed by published functional studies and their clinical significance is uncertain. This variant is not present in population databases (ExAC no frequency). This sequence change replaces proline with leucine at codon 453 of the FKRP protein (p.Pro453Leu). The proline residue is moderately conserved and there is a moderate physicochemical difference between proline and leucine.